The following is an entry in ClinVar:

ClinVar aggregate classification (germline): Uncertain significance (1 of 4 stars; one submission).

Conditions:
Hereditary cancer-predisposing syndrome. Also called: Neoplastic Syndromes, Hereditary; Tumor predisposition; Hereditary Cancer Syndrome; Hereditary neoplastic syndrome. Identifiers: Orphanet 140162, MedGen C0027672, MeSH D009386, MONDO:0015356.

Submission:

Ambry Genetics
Classification: Uncertain significance for Hereditary cancer-predisposing syndrome. Last evaluated: 2026-05-14. Review status: criteria provided, single submitter. Criteria: Ambry Variant Classification Scheme 2023. Collection method: clinical testing. Allele origin: germline.
Comment: The p.P660R variant (also known as c.1979C>G), located in coding exon 11 of the ALK gene, results from a C to G substitution at nucleotide position 1979. The proline at codon 660 is replaced by arginine, an amino acid with dissimilar properties. This amino acid position is conserved. In addition, this alteration is predicted to be tolerated by in silico analysis. Based on the available evidence, the clinical significance of this variant remains unclear.

NM_004304.5(ALK):c.1979C>G (p.Pro660Arg)

Gene: ALK (ALK receptor tyrosine kinase; minus strand). Cytogenetic location: 2p23.2.
Variant type: single nucleotide variant.
Coding change: c.1979C>G on transcript NM_004304.5 (MANE Select); coding-DNA position 1979, C replaced by G.
Protein change: p.Pro660Arg; replaces proline 660 with arginine.
Molecular consequence: missense variant.
Genome position (GRCh38, 1-based): chr2:29,275,161, G>C on the plus strand (C>G on the coding strand, the complement: ALK is on the minus strand). VCF-style: chr2-29275161-G-C. GRCh37 (hg19) VCF-style: chr2-29498027-G-C.
Other names: short protein forms P660R.
Identifiers: ClinVar variation 4870285 (VCV004870285.1).